The following is an entry in ClinVar:

ClinVar aggregate classification (germline): Uncertain significance (1 of 4 stars; one submission).

gnomAD v4.1: 1 of 1,613,966 alleles (0.000062%); highest among the groups gnomAD compares: Non-Finnish European, 0.000085%; no homozygotes.

Submission:

Labcorp Genetics (formerly Invitae), Labcorp
Classification: Uncertain significance. Last evaluated: 2023-07-17. Review status: criteria provided, single submitter. Criteria: Invitae Variant Classification Sherloc (09022015). Collection method: clinical testing. Allele origin: germline.
Comment: This sequence change replaces lysine, which is basic and polar, with asparagine, which is neutral and polar, at codon 725 of the DDR2 protein (p.Lys725Asn). In summary, the available evidence is currently insufficient to determine the role of this variant in disease. Therefore, it has been classified as a Variant of Uncertain Significance. An algorithm developed to predict the effect of missense changes on protein structure and function (PolyPhen-2) suggests that this variant is likely to be disruptive. ClinVar contains an entry for this variant (Variation ID: 1353068). This variant has not been reported in the literature in individuals affected with DDR2-related conditions. This variant is not present in population databases (gnomAD no frequency).

NM_006182.4(DDR2):c.2175G>T (p.Lys725Asn)

Gene: DDR2 (discoidin domain receptor tyrosine kinase 2; plus strand). Cytogenetic location: 1q23.3.
Variant type: single nucleotide variant.
Coding change: c.2175G>T on transcript NM_006182.4 (MANE Select); coding-DNA position 2175, G replaced by T.
Protein change: p.Lys725Asn; replaces lysine 725 with asparagine.
Molecular consequence: missense variant.
Genome position (GRCh38, 1-based): chr1:162,776,262, G>T. VCF-style: chr1-162776262-G-T. GRCh37 (hg19) VCF-style: chr1-162746052-G-T.
Other names: c.2175G>T, p.Lys725Asn (NM_001014796.3, NM_001354982.2, NM_001354983.2); short protein forms K725N.
Identifiers: ClinVar variation 1353068 (VCV001353068.8), dbSNP rs2102199226, ClinGen allele CA343415771.